The following is an entry in ClinVar:

ClinVar aggregate classification (germline): Benign. Review status: criteria provided, multiple submitters, no conflicts (2 of 4 stars). 3 submissions from 3 submitters: Benign (3). Last evaluated 2026-04-14.

Conditions:
Familial intrahepatic cholestasis. Identifiers: Orphanet 284385, MedGen CN296401, MONDO:0017290.

Allele frequency attached by ClinVar (database versions not stated): 1000 Genomes Project 30x 0.06074; 1000 Genomes Project 0.06310; TOPMed 0.07187; gnomAD 0.08189 and 0.08350; gnomAD exomes 0.08288.
gnomAD v4.1: 104,046 of 1,259,012 alleles (8.3%); highest among the groups gnomAD compares: Middle Eastern, 11%; 4,934 homozygotes.

Submissions (3):

Genomenon, Inc
Classification: Benign for Familial intrahepatic cholestasis. Last evaluated: 2026-04-14. Review status: criteria provided, single submitter. Criteria: Genomenon Sequence Variant Interpretation Standards - Updated. Collection method: curation. Allele origin: germline. Affected: no.
Comment: ATP8B1 c.182-72G>A is an intronic variant located in intron 2. This variant is present at high allele frequency in population databases. In conclusion, we classify ATP8B1 c.182-72G>A as a benign variant.

GeneDx
Classification: Benign. Last evaluated: 2019-07-12. Review status: criteria provided, single submitter. Criteria: GeneDx Variant Classification Process June 2021. Collection method: clinical testing. Allele origin: germline. Affected: yes.

Breakthrough Genomics
Classification: Benign. Review status: criteria provided, single submitter. Criteria: ACMG Guidelines, 2015. Collection method: not provided. Allele origin: germline. Inheritance: Autosomal recessive inheritance. Affected: yes.

NM_001374385.1(ATP8B1):c.182-72G>A

Gene: ATP8B1 (ATPase phospholipid transporting 8B1; minus strand). Cytogenetic location: 18q21.31.
Variant type: single nucleotide variant.
Coding change: c.182-72G>A on transcript NM_001374385.1 (MANE Select); 72 bases into the intron before coding-DNA position 182, G replaced by A.
Molecular consequence: intron variant.
Genome position (GRCh38, 1-based): chr18:57,706,659, C>T on the plus strand (G>A on the coding strand, the complement: ATP8B1 is on the minus strand). VCF-style: chr18-57706659-C-T. GRCh37 (hg19) VCF-style: chr18-55373891-C-T.
Other names: c.182-72G>A (NM_005603.6); c.130-1991G>A (NM_001374386.1).
Identifiers: ClinVar variation 1292207 (VCV001292207.4), dbSNP rs55728527, ClinGen allele CA15927918.